The following is an entry in ClinVar:

ClinVar aggregate classification (germline): Uncertain significance. Review status: criteria provided, multiple submitters, no conflicts (2 of 4 stars). 2 submissions from 2 submitters: Uncertain significance (2). Last evaluated 2024-01-31.

Conditions:
Hereditary cancer-predisposing syndrome. Also called: Hereditary neoplastic syndrome; Neoplastic Syndromes, Hereditary; Hereditary Cancer Syndrome; Tumor predisposition. Identifiers: Orphanet 140162, MedGen C0027672, MeSH D009386, MONDO:0015356.
Parathyroid carcinoma (PRTC). Also called: CDC73-Related Parathyroid Carcinoma; Parathyroid gland carcinoma. Identifiers: Orphanet 143, MedGen C0687150, MONDO:0012004, OMIM 608266, HP:0006780.

Allele frequency attached by ClinVar (database versions not stated): gnomAD exomes below 0.00001; ExAC 0.00001.
gnomAD v4.1: 1 of 1,612,324 alleles (0.000062%); highest among the groups gnomAD compares: Non-Finnish European, 0.000085%; no homozygotes.

Submissions (2):

Ambry Genetics
Classification: Uncertain significance for Hereditary cancer-predisposing syndrome. Last evaluated: 2024-01-31. Review status: criteria provided, single submitter. Criteria: Ambry Variant Classification Scheme 2023. Collection method: clinical testing. Allele origin: germline.
Comment: The p.Q284E variant (also known as c.850C>G), located in coding exon 9 of the CDC73 gene, results from a C to G substitution at nucleotide position 850. The glutamine at codon 284 is replaced by glutamic acid, an amino acid with highly similar properties. This amino acid position is conserved. In addition, this alteration is predicted to be tolerated by in silico analysis. Based on the available evidence, the clinical significance of this alteration remains unclear.

Labcorp Genetics (formerly Invitae), Labcorp
Classification: Uncertain significance for Parathyroid carcinoma. Last evaluated: 2023-10-09. Review status: criteria provided, single submitter. Criteria: Invitae Variant Classification Sherloc (09022015). Collection method: clinical testing. Allele origin: germline.
Comment: This sequence change replaces glutamine, which is neutral and polar, with glutamic acid, which is acidic and polar, at codon 284 of the CDC73 protein (p.Gln284Glu). This variant is present in population databases (rs780875952, gnomAD 0.0009%). This variant has not been reported in the literature in individuals affected with CDC73-related conditions. Advanced modeling of protein sequence and biophysical properties (such as structural, functional, and spatial information, amino acid conservation, physicochemical variation, residue mobility, and thermodynamic stability) performed at Invitae indicates that this missense variant is not expected to disrupt CDC73 protein function. In summary, the available evidence is currently insufficient to determine the role of this variant in disease. Therefore, it has been classified as a Variant of Uncertain Significance.

NM_024529.5(CDC73):c.850C>G (p.Gln284Glu)

Gene: CDC73 (cell division cycle 73; plus strand). Cytogenetic location: 1q31.2.
Variant type: single nucleotide variant.
Coding change: c.850C>G on transcript NM_024529.5 (MANE Select); coding-DNA position 850, C replaced by G.
Protein change: p.Gln284Glu; replaces glutamine 284 with glutamic acid.
Molecular consequence: missense variant.
Genome position (GRCh38, 1-based): chr1:193,150,325, C>G. VCF-style: chr1-193150325-C-G. GRCh37 (hg19) VCF-style: chr1-193119455-C-G.
Other names: short protein forms Q284E.
Identifiers: ClinVar variation 2767092 (VCV002767092.4), dbSNP rs780875952, ClinGen allele CA1303488.
Genomic context (GRCh38, chr1:193,150,325, plus strand): 5'-AAAATATTAACAAGTAACTCATAATTAATTTTTTTACAGGATCCCACTTTGCGCACCAAA[C>G]AGCCTATCCCAGCTGCCTATAACAGATACGATCAGGAAAGATTCAAAGGAAAAGAAGGCA-3'
Protein context (NP_078805.3, residues 274-294): APVDPTLRTK[Gln284Glu]PIPAAYNRYD